The following is an entry in ClinVar:

ClinVar aggregate classification (germline): Uncertain significance (1 of 4 stars; one submission).

Conditions:
Paroxysmal nonkinesigenic dyskinesia. Also called: Paroxysmal non-kinesigenic dyskinesia. Identifiers: Orphanet 98810, MedGen C1869117, MONDO:0700088.

Allele frequency attached by ClinVar (database versions not stated): ExAC 0.00001; gnomAD exomes 0.00002; ESP Exome Variant Server 0.00008; TOPMed 0.00008; gnomAD 0.00011.
gnomAD v4.1: 22 of 1,613,856 alleles (0.0014%); highest among the groups gnomAD compares: Admixed American, 0.017%; no homozygotes.

Submission:

Labcorp Genetics (formerly Invitae), Labcorp
Classification: Uncertain significance for Paroxysmal nonkinesigenic dyskinesia. Last evaluated: 2025-03-16. Review status: criteria provided, single submitter. Criteria: Invitae Variant Classification Sherloc (09022015). Collection method: clinical testing. Allele origin: germline.
Comment: This sequence change replaces arginine, which is basic and polar, with proline, which is neutral and non-polar, at codon 39 of the PNKD protein (p.Arg39Pro). This variant is present in population databases (rs367998906, gnomAD 0.01%). This variant has not been reported in the literature in individuals affected with PNKD-related conditions. ClinVar contains an entry for this variant (Variation ID: 1520700). An algorithm developed to predict the effect of missense changes on protein structure and function (PolyPhen-2) suggests that this variant is likely to be disruptive. In summary, the available evidence is currently insufficient to determine the role of this variant in disease. Therefore, it has been classified as a Variant of Uncertain Significance.

NM_015488.5(PNKD):c.116G>C (p.Arg39Pro)

Gene: PNKD (PNKD metallo-beta-lactamase domain containing; plus strand). Cytogenetic location: 2q35.
Variant type: single nucleotide variant.
Coding change: c.116G>C on transcript NM_015488.5 (MANE Select); coding-DNA position 116, G replaced by C.
Protein change: p.Arg39Pro; replaces arginine 39 with proline.
Molecular consequence: missense variant.
Genome position (GRCh38, 1-based): chr2:218,271,429, G>C. VCF-style: chr2-218271429-G-C. GRCh37 (hg19) VCF-style: chr2-219136152-G-C.
Other names: c.116G>C, p.Arg39Pro (NM_001077399.3); short protein forms R39P.
Identifiers: ClinVar variation 1520700 (VCV001520700.6), dbSNP rs367998906, ClinGen allele CA2103252.